The following is an entry in ClinVar:

ClinVar aggregate classification (germline): Conflicting classifications of pathogenicity. Review status: criteria provided, conflicting classifications (1 of 4 stars). 7 submissions from 7 submitters: Uncertain significance (5); Likely benign (1). 1 of the submissions does not count toward it. Last evaluated 2026-01-28.

Conditions:
Hereditary breast ovarian cancer syndrome. Also called: Hereditary breast and ovarian cancer syndrome; Hereditary breast and ovarian cancer; Hereditary breast and ovarian cancer syndrome (HBOC); Breast and ovarian cancer; Hereditary breast and/or ovarian cancer syndrome; BRCA1- and BRCA2-Associated Hereditary Breast and Ovarian Cancer. Identifiers: Orphanet 145, MedGen C0677776, MeSH D061325, MONDO:0003582. Disease mechanism: loss of function.
Hereditary cancer-predisposing syndrome. Also called: Neoplastic Syndromes, Hereditary; Tumor predisposition; Hereditary neoplastic syndrome; Hereditary Cancer Syndrome. Identifiers: Orphanet 140162, MedGen C0027672, MeSH D009386, MONDO:0015356.
Breast-ovarian cancer, familial, susceptibility to, 2 (BROVCA2). Also called: BRCA2 Hereditary Breast and Ovarian Cancer. Identifiers: Orphanet 145, MedGen C2675520, MONDO:0012933, OMIM 612555. Disease mechanism: loss of function.

Allele frequency attached by ClinVar (database versions not stated): gnomAD 0.00001 and 0.00002; TOPMed 0.00002.
gnomAD v4.1: 3 of 1,595,274 alleles (0.00019%); highest among the groups gnomAD compares: Non-Finnish European, 0.00026%; no homozygotes.

Submissions (7):

Labcorp Genetics (formerly Invitae), Labcorp
Classification: Uncertain significance for Hereditary breast ovarian cancer syndrome. Last evaluated: 2026-01-28. Review status: criteria provided, single submitter. Criteria: Invitae Variant Classification Sherloc (09022015). Collection method: clinical testing. Allele origin: germline.
Comment: This sequence change replaces threonine, which is neutral and polar, with proline, which is neutral and non-polar, at codon 1679 of the BRCA2 protein (p.Thr1679Pro). This variant is not present in population databases (gnomAD no frequency). This variant has not been reported in the literature in individuals affected with BRCA2-related conditions. ClinVar contains an entry for this variant (Variation ID: 51758). Invitae Evidence Modeling of protein sequence and biophysical properties (such as structural, functional, and spatial information, amino acid conservation, physicochemical variation, residue mobility, and thermodynamic stability) indicates that this missense variant is not expected to disrupt BRCA2 protein function with a negative predictive value of 95%. In summary, the available evidence is currently insufficient to determine the role of this variant in disease. Therefore, it has been classified as a Variant of Uncertain Significance.

Ambry Genetics
Classification: Uncertain significance for Hereditary cancer-predisposing syndrome. Last evaluated: 2025-05-24. Review status: criteria provided, single submitter. Criteria: Ambry Variant Classification Scheme 2023. Collection method: clinical testing. Allele origin: germline.
Comment: The p.T1679P variant (also known as c.5035A>C), located in coding exon 10 of the BRCA2 gene, results from an A to C substitution at nucleotide position 5035. The threonine at codon 1679 is replaced by proline, an amino acid with highly similar properties. This amino acid position is poorly conserved in available vertebrate species. In addition, this alteration is predicted to be tolerated by in silico analysis. Based on the available evidence, the clinical significance of this variant remains unclear.

GeneDx
Classification: Uncertain significance. Last evaluated: 2023-11-30. Review status: criteria provided, single submitter. Criteria: GeneDx Variant Classification Process June 2021. Collection method: clinical testing. Allele origin: germline. Affected: yes.
Comment: Not observed at significant frequency in large population cohorts (gnomAD); In silico analysis supports that this missense variant does not alter protein structure/function; Has not been previously published as pathogenic or benign to our knowledge; Also known as 5263A>C; This variant is associated with the following publications: (PMID: 24817641, 31911673, 9002670, 22193408)

University of Washington Department of Laboratory Medicine, University of Washington
Classification: Likely benign for Hereditary cancer-predisposing syndrome. Last evaluated: 2023-03-23. Review status: criteria provided, single submitter. Criteria: Dines et al. (Genet Med. 2020). Collection method: curation. Allele origin: germline.
Comment: Missense variant in a coldspot region where missense variants are very unlikely to be pathogenic (PMID:31911673).

BRCA2 exon 11 coldspot. Reclassification based on statistical prior probability.

Color Diagnostics, LLC DBA Color Health
Classification: Uncertain significance for Hereditary cancer-predisposing syndrome. Last evaluated: 2022-01-20. Review status: criteria provided, single submitter. Criteria: ACMG Guidelines, 2015. Collection method: clinical testing. Allele origin: germline.
Comment: This missense variant replaces threonine with proline at codon 1679 of the BRCA2 protein. Computational prediction suggests that this variant may not impact protein structure and function (internally defined REVEL score threshold <= 0.5, PMID: 27666373). To our knowledge, functional studies have not been reported for this variant. This variant has not been reported in individuals affected with hereditary cancer in the literature. This variant has not been identified in the general population by the Genome Aggregation Database (gnomAD). The available evidence is insufficient to determine the role of this variant in disease conclusively. Therefore, this variant is classified as a Variant of Uncertain Significance.

Women's Health and Genetics/Laboratory Corporation of America, LabCorp
Classification: Uncertain significance. Last evaluated: 2016-10-31. Review status: criteria provided, single submitter. Criteria: LabCorp Variant Classification Summary - May 2015. Collection method: clinical testing. Allele origin: germline.
Comment: Variant summary: The BRCA2 c.5035A>C (p.Thr1679Pro) variant involves the alteration of a non-conserved nucleotide. 2/4 in silico tools predict a benign outcome for this variant (SNPs&GO not captured due to low reliability index). This variant is absent in 118572 control chromosomes. In addition, multiple clinical diagnostic laboratories/reputable databases classified this variant as uncertain significance. The variant of interest has not, to our knowledge, been reported in affected individuals via publications; nor evaluated for functional impact by in vivo/vitro studies. Because of the absence of clinical information and the lack of functional studies, the variant is classified as a variant of uncertain significance (VUS) until additional information becomes available.

Breast Cancer Information Core (BIC) (BRCA2)
Classification: Uncertain significance for Breast-ovarian cancer, familial 2. Last evaluated: 2003-12-23. Review status: no assertion criteria provided. Collection method: clinical testing. Allele origin: germline. Affected: yes. Observed: 1 variant allele. Not counted in ClinVar's aggregate classification.

Literature cited by the submitters: PubMed 24817641 (cited by Women's Health and Genetics/Laboratory Corporation of America, LabCorp).

NM_000059.4(BRCA2):c.5035A>C (p.Thr1679Pro)

Gene: BRCA2 (BRCA2 DNA repair associated; plus strand). Cytogenetic location: 13q13.1.
Variant type: single nucleotide variant.
Coding change: c.5035A>C on transcript NM_000059.4 (MANE Select); coding-DNA position 5035, A replaced by C.
Protein change: p.Thr1679Pro; replaces threonine 1679 with proline.
Molecular consequence: missense variant.
Genome position (GRCh38, 1-based): chr13:32,339,390, A>C. VCF-style: chr13-32339390-A-C. GRCh37 (hg19) VCF-style: chr13-32913527-A-C.
Other names: short protein forms T1679P.
Identifiers: ClinVar variation 51758 (VCV000051758.19), dbSNP rs80358728, ClinGen allele CA021160.
Genomic context (GRCh38, chr13:32,339,390, plus strand): 5'-TCCCCTTATTCAGTCATTGAAAATTCAGCCTTAGCTTTTTACACAAGTTGTAGTAGAAAA[A>C]CTTCTGTGAGTCAGACTTCATTACTTGAAGCAAAAAAATGGCTTAGAGAAGGAATATTTG-3'
Protein context (NP_000050.3, residues 1669-1689): LAFYTSCSRK[Thr1679Pro]SVSQTSLLEA